The following is an entry in ClinVar:

ClinVar aggregate classification (germline): Uncertain significance (0 of 4 stars; one submission).

Conditions:
ADCY3-related disorder. Also called: ADCY3-related condition.

Allele frequency attached by ClinVar (database versions not stated): gnomAD exomes below 0.00001; ExAC 0.00002; gnomAD 0.00004.
gnomAD v4.1: 11 of 1,614,100 alleles (0.00068%); highest among the groups gnomAD compares: African/African-American, 0.0067%; no homozygotes.

Submission:

PreventionGenetics, part of Exact Sciences
Classification: Uncertain significance for ADCY3-related condition. Last evaluated: 2024-01-29. Review status: no assertion criteria provided. Collection method: clinical testing. Allele origin: germline.
Comment: The ADCY3 c.2359G>A variant is predicted to result in the amino acid substitution p.Val787Met. To our knowledge, this variant has not been reported in the literature. This variant is reported in 0.016% of alleles in individuals of African descent in gnomAD. At this time, the clinical significance of this variant is uncertain due to the absence of conclusive functional and genetic evidence.

NM_004036.5(ADCY3):c.2359G>A (p.Val787Met)

Gene: ADCY3 (adenylate cyclase 3; minus strand). Cytogenetic location: 2p23.3.
Variant type: single nucleotide variant.
Coding change: c.2359G>A on transcript NM_004036.5 (MANE Select); coding-DNA position 2359, G replaced by A.
Protein change: p.Val787Met; replaces valine 787 with methionine.
Molecular consequence: missense variant. On other transcripts: intron variant (1).
Genome position (GRCh38, 1-based): chr2:24,827,975, C>T on the plus strand (G>A on the coding strand, the complement: ADCY3 is on the minus strand). VCF-style: chr2-24827975-C-T. GRCh37 (hg19) VCF-style: chr2-25050844-C-T.
Other names: c.2359G>A, p.Val787Met (NM_001320613.2, NM_001377132.1); c.2425G>A, p.Val809Met (NM_001377128.1); c.2221G>A, p.Val741Met (NM_001377129.1); c.1636G>A, p.Val546Met (NM_001377131.1); c.2172+2734G>A (NM_001377130.1); short protein forms V546M, V741M, V787M, V809M.
Identifiers: ClinVar variation 3034916 (VCV003034916.2), dbSNP rs758474445, ClinGen allele CA1553798.